The following is an entry in ClinVar:

NM_152564.5(VPS13B):c.2441_2450delinsTGTCAGC (p.Ser814_His817delinsMetSerAla)

Gene: VPS13B (vacuolar protein sorting 13 homolog B; plus strand). Cytogenetic location: 8q22.2.
Variant type: Indel.
Coding change: c.2441_2450delinsTGTCAGC on transcript NM_152564.5 (MANE Select); coding-DNA positions 2441 to 2450, GTTGGTCTCA replaced by TGTCAGC.
Protein change: p.Ser814_His817delinsMetSerAla.
Molecular consequence: inframe indel.
Genome position (GRCh38, 1-based): chr8:99,192,983-99,192,992, GTTGGTCTCA replaced by TGTCAGC. VCF-style: chr8-99192983-GTTGGTCTCA-TGTCAGC. GRCh37 (hg19) VCF-style: chr8-100205211-GTTGGTCTCA-TGTCAGC.
Other names: c.2441_2450delinsTGTCAGC, p.Ser814_His817delinsMetSerAla (NM_015243.3, NM_017890.5); c.2441_2450delinsTGTCAGC (NM_152564.4).
Identifiers: ClinVar variation 971728 (VCV000971728.29), dbSNP rs1813688418, ClinGen allele CA1139660690.

ClinVar aggregate classification (germline): Uncertain significance. Review status: criteria provided, multiple submitters, no conflicts (2 of 4 stars). 3 submissions from 3 submitters: Uncertain significance (2). 1 of the submissions does not count toward it. Last evaluated 2025-07-27.

Conditions:
VPS13B-related disorder. Also called: VPS13B-related condition.
Cohen syndrome (COH1). Also called: Cutis verticis gyrata, retinitis pigmentosa, and sensorineural deafness; PEPPER SYNDROME. Identifiers: Orphanet 193, MedGen C0265223, MONDO:0008999, OMIM 216550.

Submissions (3):

Labcorp Genetics (formerly Invitae), Labcorp
Classification: Uncertain significance for Cohen syndrome. Last evaluated: 2025-07-27. Review status: criteria provided, single submitter. Criteria: Invitae Variant Classification Sherloc (09022015). Collection method: clinical testing. Allele origin: germline.
Comment: This variant, c.2441_2450delinsTGTCAGC, is a complex sequence change that results in the deletion of 4 and insertion of 3 amino acid(s) in the VPS13B protein (p.Ser814_His817delinsMetSerAla). Information on the frequency of this variant in the gnomAD database is not available, as this variant may be reported differently in the database. This variant has not been reported in the literature in individuals affected with VPS13B-related conditions. Experimental studies and prediction algorithms are not available or were not evaluated, and the functional significance of this variant is currently unknown. In summary, the available evidence is currently insufficient to determine the role of this variant in disease. Therefore, it has been classified as a Variant of Uncertain Significance.

CeGaT Center for Human Genetics Tuebingen
Classification: Uncertain significance. Last evaluated: 2023-09-01. Review status: criteria provided, single submitter. Criteria: CeGaT Center For Human Genetics Tuebingen Variant Classification Criteria Version 2. Collection method: clinical testing. Allele origin: germline. Affected: yes. Observed: 1 variant allele.
Comment: VPS13B: PM2, PM4

PreventionGenetics, part of Exact Sciences
Classification: Uncertain significance for VPS13B-related condition. Last evaluated: 2024-04-04. Review status: no assertion criteria provided. Collection method: clinical testing. Allele origin: germline. Not counted in ClinVar's aggregate classification.
Comment: The VPS13B c.2441_2450delinsTGTCAGC variant is predicted to result in an in-frame deletion and insertion. To our knowledge, this variant has not been reported in the literature or in a large population database, indicating this variant is rare. At this time, the clinical significance of this variant is uncertain due to the absence of conclusive functional and genetic evidence.